The following is an entry in ClinVar:

ClinVar aggregate classification (germline): Uncertain significance. Review status: criteria provided, multiple submitters, no conflicts (2 of 4 stars). 2 submissions from 2 submitters: Uncertain significance (2). Last evaluated 2024-08-12.

Conditions:
Inborn genetic diseases. Identifiers: MedGen C0950123, MeSH D030342.
Developmental and epileptic encephalopathy, 30 (DEE30). Also called: Epileptic encephalopathy, early infantile, 30. Identifiers: MedGen C4225360, MONDO:0014595, OMIM 616341.

Allele frequency attached by ClinVar (database versions not stated): ExAC 0.00002; gnomAD exomes 0.00003.

Submissions (2):

Labcorp Genetics (formerly Invitae), Labcorp
Classification: Uncertain significance for Developmental and epileptic encephalopathy, 30. Last evaluated: 2024-08-12. Review status: criteria provided, single submitter. Criteria: Invitae Variant Classification Sherloc (09022015). Collection method: clinical testing. Allele origin: germline.
Comment: This sequence change replaces serine, which is neutral and polar, with arginine, which is basic and polar, at codon 644 of the SIK1 protein (p.Ser644Arg). This variant is present in population databases (rs761924245, gnomAD 0.005%). This variant has not been reported in the literature in individuals affected with SIK1-related conditions. ClinVar contains an entry for this variant (Variation ID: 934749). Advanced modeling of protein sequence and biophysical properties (such as structural, functional, and spatial information, amino acid conservation, physicochemical variation, residue mobility, and thermodynamic stability) performed at Invitae indicates that this missense variant is not expected to disrupt SIK1 protein function with a negative predictive value of 95%. In summary, the available evidence is currently insufficient to determine the role of this variant in disease. Therefore, it has been classified as a Variant of Uncertain Significance.

Ambry Genetics
Classification: Uncertain significance for Inborn genetic diseases. Last evaluated: 2024-07-22. Review status: criteria provided, single submitter. Criteria: Ambry Variant Classification Scheme 2023. Collection method: clinical testing. Allele origin: germline.

NM_173354.5(SIK1):c.1932C>G (p.Ser644Arg)

Gene: SIK1 (salt inducible kinase 1; minus strand). Cytogenetic location: 21q22.3.
Variant type: single nucleotide variant.
Coding change: c.1932C>G on transcript NM_173354.5 (MANE Select); coding-DNA position 1932, C replaced by G.
Protein change: p.Ser644Arg; replaces serine 644 with arginine.
Molecular consequence: missense variant.
Genome position (GRCh38, 1-based): chr21:43,417,587, G>C on the plus strand (C>G on the coding strand, the complement: SIK1 is on the minus strand). VCF-style: chr21-43417587-G-C. GRCh37 (hg19) VCF-style: chr21-44837467-G-C.
Other names: short protein forms S644R.
Identifiers: ClinVar variation 934749 (VCV000934749.9), dbSNP rs761924245, ClinGen allele CA321324787.